The following is an entry in ClinVar:

ClinVar aggregate classification (germline): Uncertain significance (1 of 4 stars; one submission).

Conditions:
Familial cold autoinflammatory syndrome 3 (FCAS3). Also called: FAMILIAL ATYPICAL COLD URTICARIA; ANTIBODY DEFICIENCY AND IMMUNE DYSREGULATION, PLCG2-ASSOCIATED. Identifiers: Orphanet 300359, MedGen C3280914, MONDO:0013766, OMIM 614468.

gnomAD v4.1: 1 of 1,611,910 alleles (0.000062%); highest among the groups gnomAD compares: South Asian, 0.0011%; no homozygotes.

Submission:

Labcorp Genetics (formerly Invitae), Labcorp
Classification: Uncertain significance for Familial cold autoinflammatory syndrome 3. Last evaluated: 2022-09-13. Review status: criteria provided, single submitter. Criteria: Invitae Variant Classification Sherloc (09022015). Collection method: clinical testing. Allele origin: germline.
Comment: In summary, the available evidence is currently insufficient to determine the role of this variant in disease. Therefore, it has been classified as a Variant of Uncertain Significance. Algorithms developed to predict the effect of missense changes on protein structure and function output the following: SIFT: "Tolerated"; PolyPhen-2: "Benign"; Align-GVGD: "Class C0". The leucine amino acid residue is found in multiple mammalian species, which suggests that this missense change does not adversely affect protein function. ClinVar contains an entry for this variant (Variation ID: 846393). This variant has not been reported in the literature in individuals affected with PLCG2-related conditions. This variant is not present in population databases (gnomAD no frequency). This sequence change replaces methionine, which is neutral and non-polar, with leucine, which is neutral and non-polar, at codon 351 of the PLCG2 protein (p.Met351Leu).

NM_002661.5(PLCG2):c.1051A>T (p.Met351Leu)

Gene: PLCG2 (phospholipase C gamma 2; plus strand). Cytogenetic location: 16q23.3.
Variant type: single nucleotide variant.
Coding change: c.1051A>T on transcript NM_002661.5 (MANE Select); coding-DNA position 1051, A replaced by T.
Protein change: p.Met351Leu; replaces methionine 351 with leucine.
Molecular consequence: missense variant.
Genome position (GRCh38, 1-based): chr16:81,893,773, A>T. VCF-style: chr16-81893773-A-T. GRCh37 (hg19) VCF-style: chr16-81927378-A-T.
Other names: short protein forms M351L.
Identifiers: ClinVar variation 846393 (VCV000846393.9), dbSNP rs918993653, ClinGen allele CA396898732.